The following is an entry in ClinVar:

ClinVar aggregate classification (germline): Likely benign (1 of 4 stars; one submission).

Allele frequency attached by ClinVar (database versions not stated): 1000 Genomes Project 30x 0.01234; TOPMed 0.01796; gnomAD 0.01938 and 0.01925; 1000 Genomes Project 0.01218; gnomAD exomes 0.02367.
gnomAD v4.1: 9,100 of 414,796 alleles (2.2%); highest among the groups gnomAD compares: Middle Eastern, 3%; 142 homozygotes.

Submission:

GeneDx
Classification: Likely benign. Last evaluated: 2018-06-16. Review status: criteria provided, single submitter. Criteria: GeneDx Variant Classification (06012015). Collection method: clinical testing. Allele origin: germline. Affected: yes.
Comment: This variant is considered likely benign or benign based on one or more of the following criteria: it is a conservative change, it occurs at a poorly conserved position in the protein, it is predicted to be benign by multiple in silico algorithms, and/or has population frequency not consistent with disease.

NM_032667.6(BSCL2):c.-1574T>G

Genes: BSCL2 (BSCL2 lipid droplet biogenesis associated, seipin; minus strand), GNG3 (G protein subunit gamma 3; plus strand), HNRNPUL2-BSCL2 (HNRNPUL2-BSCL2 readthrough (NMD candidate); minus strand). Cytogenetic location: 11q12.3.
Variant type: single nucleotide variant.
Coding change: c.-1574T>G on transcript NM_032667.6; 1574 bases upstream of the start codon, T replaced by G.
Molecular consequence: genic upstream transcript variant. On other transcripts: intron variant (2).
Genome position (GRCh38, 1-based): chr11:62,707,671, A>C on the plus strand (T>G on the coding strand, the complement: BSCL2 is on the minus strand). VCF-style: chr11-62707671-A-C. GRCh37 (hg19) VCF-style: chr11-62475143-A-C.
Other names: c.-476T>G (NM_001122955.3); c.-129-347T>G (NM_001386028.1, NM_001386027.1).
Identifiers: ClinVar variation 668736 (VCV000668736.3), dbSNP rs142457418, ClinGen allele CA15680132.